The following is an entry in ClinVar:

NM_001035.3(RYR2):c.4158A>G (p.Gln1386=)

Genes: RYR2 (ryanodine receptor 2; plus strand), LOC126806067 (BRD4-independent group 4 enhancer GRCh37_chr1:237753258-237754457; plus strand). Cytogenetic location: 1q43.
Variant type: single nucleotide variant.
Coding change: c.4158A>G on transcript NM_001035.3 (MANE Select); coding-DNA position 4158, A replaced by G.
Protein change: p.Gln1386=; no amino-acid change (glutamine 1386 retained).
Molecular consequence: synonymous variant.
Genome position (GRCh38, 1-based): chr1:237,590,990, A>G. VCF-style: chr1-237590990-A-G. GRCh37 (hg19) VCF-style: chr1-237754290-A-G.
Identifiers: ClinVar variation 3896168 (VCV003896168.2).
Genomic context (GRCh38, chr1:237,590,990, plus strand): 5'-TAAACCAGAGTTTAACAACCACAAAGATTATGCCCAGGAAAAGCCCTCTCGTCTGAAACA[A>G]AGGTTACTAATTTATACGCTGTGATTTTAAATTTGTAGTTATGTGAGGAAGGTTACAGTC-3'
Protein context (NP_001026.2, residues 1376-1396): YAQEKPSRLK[Gln1386=]RFLLRRTKPD

ClinVar aggregate classification (germline): Uncertain significance (1 of 4 stars; one submission).

gnomAD v4.1: 2 of 1,609,744 alleles (0.00012%); highest among the groups gnomAD compares: Non-Finnish European, 0.00017%; no homozygotes.

Submission:

Women's Health and Genetics/Laboratory Corporation of America, LabCorp
Classification: Uncertain significance. Last evaluated: 2025-04-21. Review status: criteria provided, single submitter. Criteria: LabCorp Variant Classification Summary - May 2015. Collection method: clinical testing. Allele origin: germline.
Comment: Variant summary: RYR2 c.4158A>G (p.Gln1386Gln) alters a conserved nucleotide located close to a canonical splice site and therefore could affect mRNA splicing, leading to a significantly altered protein sequence. Consensus agreement among computation tools predict no significant impact on normal splicing. However, these predictions have yet to be confirmed by functional studies. The variant was absent in 242988 control chromosomes. The available data on variant occurrences in the general population are insufficient to allow any conclusion about variant significance. To our knowledge, no occurrence of c.4158A>G in individuals affected with Catecholaminergic Polymorphic Ventricular Tachycardia and no experimental evidence demonstrating its impact on protein function have been reported. No submitters have cited clinical-significance assessments for this variant to ClinVar. Based on the evidence outlined above, the variant was classified as uncertain significance.